The following is an entry in ClinVar:

NM_000232.5(SGCB):c.629G>A (p.Ser210Asn)

Gene: SGCB (sarcoglycan beta; minus strand). Cytogenetic location: 4q12.
Variant type: single nucleotide variant.
Coding change: c.629G>A on transcript NM_000232.5 (MANE Select); coding-DNA position 629, G replaced by A.
Protein change: p.Ser210Asn; replaces serine 210 with asparagine.
Molecular consequence: missense variant.
Genome position (GRCh38, 1-based): chr4:52,028,092, C>T on the plus strand (G>A on the coding strand, the complement: SGCB is on the minus strand). VCF-style: chr4-52028092-C-T. GRCh37 (hg19) VCF-style: chr4-52894258-C-T.
Other names: c.419G>A, p.Ser140Asn (NM_001440519.1); c.332G>A, p.Ser111Asn (NM_001440520.1); short protein forms S111N, S210N, S140N.
Identifiers: ClinVar variation 5003338 (VCV005003338.1).

ClinVar aggregate classification (germline): Uncertain significance (1 of 4 stars; one submission).

Conditions:
Autosomal recessive limb-girdle muscular dystrophy type 2E (LGMDR4). Also called: MUSCULAR DYSTROPHY, LIMB-GIRDLE, AUTOSOMAL RECESSIVE 4. Identifiers: Orphanet 119, MedGen C1858593, MONDO:0011423, OMIM 604286. Disease mechanism: Affects gamma-sarcoglycan and also disrupts the integrity of the entire sarcoglycan complex..

Submission:

Myriad Genetics, Inc.
Classification: Uncertain significance for Autosomal recessive limb-girdle muscular dystrophy type 2E. Last evaluated: 2026-01-26. Review status: criteria provided, single submitter. Criteria: Myriad Autosomal Dominant, Autosomal Recessive and X-Linked Classification Criteria (2023). Collection method: clinical testing. Allele origin: unknown.
Comment: NM_000232.4(SGCB):c.629G>A(S210N) is a missense variant classified as a variant of uncertain significance in the context of beta-sarcoglycanopathy. S210N has been observed in a case with relevant disease (PMID: 38876406). Relevant functional assessments of this variant are available in the literature (PMID: 37317968). S210N has been observed in referenced population frequency databases. In summary, there is insufficient evidence to classify NM_000232.4(SGCB):c.629G>A(S210N) as pathogenic or benign. Please note: this variant was assessed in the context of healthy population screening.

Literature cited by the submitters: PubMed 37317968; PubMed 38876406.